The following is an entry in ClinVar:

NM_000257.4(MYH7):c.2552C>T (p.Ser851Phe)

Genes: MYH7 (myosin heavy chain 7; minus strand), LOC126861898 (BRD4-independent group 4 enhancer GRCh37_chr14:23893609-23894808; plus strand). Cytogenetic location: 14q11.2.
Variant type: single nucleotide variant.
Coding change: c.2552C>T on transcript NM_000257.4 (MANE Select); coding-DNA position 2552, C replaced by T.
Protein change: p.Ser851Phe; replaces serine 851 with phenylalanine.
Molecular consequence: missense variant.
Genome position (GRCh38, 1-based): chr14:23,424,896, G>A on the plus strand (C>T on the coding strand, the complement: MYH7 is on the minus strand). VCF-style: chr14-23424896-G-A. GRCh37 (hg19) VCF-style: chr14-23894105-G-A.
Other names: short protein forms S851F.
Identifiers: ClinVar variation 852455 (VCV000852455.12), dbSNP rs1466322212, ClinGen allele CA389048171.

ClinVar aggregate classification (germline): Uncertain significance (1 of 4 stars; one submission).

Conditions:
Hypertrophic cardiomyopathy. Also called: HYPERTROPHIC MYOCARDIOPATHY. Identifiers: Orphanet 217569, MedGen C0007194, MeSH D002312, MONDO:0005045, HP:0001639.

Allele frequency attached by ClinVar (database versions not stated): gnomAD exomes below 0.00001.
gnomAD v4.1: 3 of 1,614,184 alleles (0.00019%); highest among the groups gnomAD compares: Non-Finnish European, 0.00025%; no homozygotes.

Submission:

Labcorp Genetics (formerly Invitae), Labcorp
Classification: Uncertain significance for Hypertrophic cardiomyopathy. Last evaluated: 2022-03-09. Review status: criteria provided, single submitter. Criteria: Invitae Variant Classification Sherloc (09022015). Collection method: clinical testing. Allele origin: germline.
Comment: This variant is found within a region of MYH7 between codons 181 and 937 that contains the majority of the myosin head domain. Missense variants in this region have been shown to be significantly overrepresented in individuals with hypertrophic cardiomyopathy (PMID: 27532257). In summary, the available evidence is currently insufficient to determine the role of this variant in disease. Therefore, it has been classified as a Variant of Uncertain Significance. Algorithms developed to predict the effect of missense changes on protein structure and function are either unavailable or do not agree on the potential impact of this missense change (SIFT: "Deleterious"; PolyPhen-2: "Benign"; Align-GVGD: "Class C0"). ClinVar contains an entry for this variant (Variation ID: 852455). This variant has not been reported in the literature in individuals affected with MYH7-related conditions. This variant is present in population databases (no rsID available, gnomAD 0.003%). This sequence change replaces serine, which is neutral and polar, with phenylalanine, which is neutral and non-polar, at codon 851 of the MYH7 protein (p.Ser851Phe).

Literature cited by the submitters: PubMed 27532257.